The following is an entry in ClinVar:

ClinVar aggregate classification (germline): Uncertain significance. Review status: criteria provided, multiple submitters, no conflicts (2 of 4 stars). 2 submissions from 2 submitters: Uncertain significance (2). Last evaluated 2024-12-09.

Conditions:
Inborn genetic diseases. Identifiers: MedGen C0950123, MeSH D030342.

Allele frequency attached by ClinVar (database versions not stated): ESP Exome Variant Server 0.00022; 1000 Genomes Project 30x 0.00016; 1000 Genomes Project 0.00020.
gnomAD v4.1: 126 of 1,551,736 alleles (0.0081%); highest among the groups gnomAD compares: Middle Eastern, 0.12%; no homozygotes.

Submissions (2):

Labcorp Genetics (formerly Invitae), Labcorp
Classification: Uncertain significance. Last evaluated: 2024-12-09. Review status: criteria provided, single submitter. Criteria: Invitae Variant Classification Sherloc (09022015). Collection method: clinical testing. Allele origin: germline.
Comment: This sequence change replaces arginine, which is basic and polar, with tryptophan, which is neutral and slightly polar, at codon 3088 of the UNC80 protein (p.Arg3088Trp). This variant is present in population databases (rs374932020, gnomAD 0.02%). This variant has not been reported in the literature in individuals affected with UNC80-related conditions. ClinVar contains an entry for this variant (Variation ID: 1369433). Invitae Evidence Modeling of protein sequence and biophysical properties (such as structural, functional, and spatial information, amino acid conservation, physicochemical variation, residue mobility, and thermodynamic stability) indicates that this missense variant is not expected to disrupt UNC80 protein function with a negative predictive value of 80%. Algorithms developed to predict the effect of sequence changes on RNA splicing suggest that this variant may disrupt the consensus splice site. In summary, the available evidence is currently insufficient to determine the role of this variant in disease. Therefore, it has been classified as a Variant of Uncertain Significance.

Ambry Genetics
Classification: Uncertain significance for Inborn genetic diseases. Last evaluated: 2021-09-01. Review status: criteria provided, single submitter. Criteria: Ambry Variant Classification Scheme 2023. Collection method: clinical testing. Allele origin: germline.

NM_001371986.1(UNC80):c.9460C>T (p.Arg3154Trp)

Gene: UNC80 (unc-80 homolog, NALCN channel complex subunit; plus strand). Cytogenetic location: 2q34.
Variant type: single nucleotide variant.
Coding change: c.9460C>T on transcript NM_001371986.1 (MANE Select); coding-DNA position 9460, C replaced by T.
Protein change: p.Arg3154Trp; replaces arginine 3154 with tryptophan.
Molecular consequence: missense variant.
Genome position (GRCh38, 1-based): chr2:209,993,378, C>T. VCF-style: chr2-209993378-C-T. GRCh37 (hg19) VCF-style: chr2-210858102-C-T.
Other names: c.9262C>T, p.Arg3088Trp (NM_032504.2); c.9190C>T, p.Arg3064Trp (NM_182587.4); c.9262C>T (NM_032504.1); short protein forms R3154W, R3064W, R3088W.
Identifiers: ClinVar variation 1369433 (VCV001369433.5), dbSNP rs374932020, ClinGen allele CA2083675.
Genomic context (GRCh38, chr2:209,993,378, plus strand): 5'-AGACGTCCTCTACTATCACGTCAGAAAACTCAGACTGAACCCAGAAATCGCCAAGGGGCT[C>T]GGCTGTCAACCACTCGCAGGAGCATTCAACCTAAAACGAAGCCGTCTGGTGAGGCCTCCT-3'
Protein context (NP_001358915.1, residues 3144-3164): QTEPRNRQGA[Arg3154Trp]LSTTRRSIQP